The following is an entry in ClinVar:

NM_005422.4(TECTA):c.430G>A (p.Val144Ile)

Genes: TBCEL-TECTA (TBCEL-TECTA readthrough; plus strand), TECTA (tectorin alpha; plus strand). Cytogenetic location: 11q23.3.
Variant type: single nucleotide variant.
Coding change: c.430G>A on transcript NM_005422.4 (MANE Select); coding-DNA position 430, G replaced by A.
Protein change: p.Val144Ile; replaces valine 144 with isoleucine.
Molecular consequence: missense variant.
Genome position (GRCh38, 1-based): chr11:121,109,442, G>A. VCF-style: chr11-121109442-G-A. GRCh37 (hg19) VCF-style: chr11-120980151-G-A.
Other names: c.1387G>A, p.Val463Ile (NM_001378761.1); short protein forms V144I, V463I.
Identifiers: ClinVar variation 666932 (VCV000666932.4), dbSNP rs973063526, ClinGen allele CA229829246.

ClinVar aggregate classification (germline): Uncertain significance (1 of 4 stars; one submission).

Allele frequency attached by ClinVar (database versions not stated): gnomAD exomes below 0.00001 and 0.00001; TOPMed below 0.00001; gnomAD 0.00001.

Submission:

Laboratory for Molecular Medicine, Mass General Brigham Personalized Medicine
Classification: Uncertain significance. Last evaluated: 2018-08-08. Review status: criteria provided, single submitter. Criteria: LMM Criteria. Collection method: clinical testing. Allele origin: germline. Observed: 1 variant allele.
Comment: The p.Val144Ile variant in TECTA has not been previously reported in individuals with hearing loss but has been identified in 1/111516 European chromosomes by t he Genome Aggregation Database (gnomAD). Compu tational prediction tools and conservation analysis do not provide strong suppor t for or against an impact to the protein. In summary, the clinical significance of the p.Val144Ile variant is uncertain. ACMG/AMP Criteria applied: PM2.